The following is an entry in ClinVar:

ClinVar aggregate classification (germline): Likely benign (1 of 4 stars; one submission).

Conditions:
Familial adenomatous polyposis 1 (FAP1). Also called: POLYPOSIS, ADENOMATOUS INTESTINAL; FAMILIAL ADENOMATOUS POLYPOSIS 1, ATTENUATED. Identifiers: MedGen C2713442, MONDO:0021056, OMIM 175100. Disease mechanism: loss of function.

Submission:

Myriad Genetics, Inc.
Classification: Likely benign for Familial adenomatous polyposis 1. Last evaluated: 2024-03-06. Review status: criteria provided, single submitter. Criteria: Myriad Autosomal Dominant, Autosomal Recessive and X-Linked Classification Criteria (2023). Collection method: clinical testing. Allele origin: unknown.
Comment: This variant is considered likely benign. This variant is intronic and is not expected to impact mRNA splicing.

NM_000038.6(APC):c.1627-10del

Gene: APC (APC regulator of Wnt signaling pathway; plus strand). Cytogenetic location: 5q22.2.
Variant type: Deletion.
Coding change: c.1627-10del on transcript NM_000038.6 (MANE Select); 10 bases into the intron before coding-DNA position 1627, one base deleted (T; older notation c.1627-10delT).
Molecular consequence: intron variant.
Genome position (GRCh38, 1-based): chr5:112,828,846, T deleted; the last of 2 consecutive T bases (chr5:112,828,845-112,828,846); deleting either gives the same sequence. VCF-style (leftmost placement, unchanged base first): chr5-112828844-AT-A. GRCh37 (hg19) VCF-style: chr5-112164541-AT-A.
Other names: c.778-10del (NM_001407470.1, NM_001354906.2); c.475-10del (NM_001407472.1, NM_001407471.1); c.1681-10del (NM_001407447.1, NM_001407448.1, NM_001407449.1 and 1 more transcripts); c.1627-10del (NM_001354895.2, NM_001407450.1, NM_001127510.3); c.1378-10del (NM_001407456.1, NM_001407457.1, NM_001407455.1 and 1 more transcripts); c.1324-10del (NM_001407460.1, NM_001407458.1, NM_001407459.1 and 1 more transcripts); c.1597-10del (NM_001407452.1); c.1240-10del (NM_001407469.1, NM_001407467.1); and 11 more.
Identifiers: ClinVar variation 3148210 (VCV003148210.1), dbSNP rs2533239753, ClinGen allele CA2825001353.